The following is an entry in ClinVar:

ClinVar aggregate classification (germline): Uncertain significance (1 of 4 stars; one submission).

Conditions:
GM3 synthase deficiency (SPDRS). Also called: SALT AND PEPPER MENTAL RETARDATION SYNDROME; AMISH INFANTILE EPILEPSY SYNDROME; SALT AND PEPPER DEVELOPMENTAL REGRESSION SYNDROME. Identifiers: Orphanet 171714, Orphanet 370933, MedGen C1836824, MONDO:0018274, OMIM 609056.

Allele frequency attached by ClinVar (database versions not stated): gnomAD 0.00001; TOPMed 0.00001.
gnomAD v4.1: 4 of 1,614,044 alleles (0.00025%); highest among the groups gnomAD compares: Admixed American, 0.0033%; no homozygotes.

Submission:

Labcorp Genetics (formerly Invitae), Labcorp
Classification: Uncertain significance for GM3 synthase deficiency. Last evaluated: 2022-03-02. Review status: criteria provided, single submitter. Criteria: Invitae Variant Classification Sherloc (09022015). Collection method: clinical testing. Allele origin: germline.
Comment: In summary, the available evidence is currently insufficient to determine the role of this variant in disease. Therefore, it has been classified as a Variant of Uncertain Significance. Algorithms developed to predict the effect of missense changes on protein structure and function are either unavailable or do not agree on the potential impact of this missense change (SIFT: "Deleterious"; PolyPhen-2: "Benign"; Align-GVGD: "Class C0"). This variant has not been reported in the literature in individuals affected with ST3GAL5-related conditions. This variant is present in population databases (rs748497823, gnomAD 0.006%). This sequence change replaces arginine, which is basic and polar, with glycine, which is neutral and non-polar, at codon 52 of the ST3GAL5 protein (p.Arg52Gly).

NM_003896.4(ST3GAL5):c.154C>G (p.Arg52Gly)

Gene: ST3GAL5 (ST3 beta-galactoside alpha-2,3-sialyltransferase 5; minus strand). Cytogenetic location: 2p11.2.
Variant type: single nucleotide variant.
Coding change: c.154C>G on transcript NM_003896.4 (MANE Select); coding-DNA position 154, C replaced by G.
Protein change: p.Arg52Gly; replaces arginine 52 with glycine.
Molecular consequence: missense variant. On other transcripts: 5 prime UTR variant (5).
Genome position (GRCh38, 1-based): chr2:85,863,414, G>C on the plus strand (C>G on the coding strand, the complement: ST3GAL5 is on the minus strand). VCF-style: chr2-85863414-G-C. GRCh37 (hg19) VCF-style: chr2-86090537-G-C.
Other names: c.85C>G, p.Arg29Gly (NM_001042437.2); c.-408C>G (NM_001354223.2, NM_001354226.2); c.-471C>G (NM_001354224.2); c.70C>G, p.Arg24Gly (NM_001354227.2, NM_001354229.2, NM_001354238.1); c.-848C>G (NM_001354233.2); c.-812C>G (NM_001354234.1); c.154C>G, p.Arg52Gly (NM_001363847.1); short protein forms R24G, R52G, R29G.
Identifiers: ClinVar variation 1466887 (VCV001466887.5), dbSNP rs748497823, ClinGen allele CA1745149.